The following is an entry in ClinVar:

ClinVar aggregate classification (germline): Benign (1 of 4 stars; one submission).

Allele frequency attached by ClinVar (database versions not stated): gnomAD exomes 0.09945; gnomAD 0.16425 and 0.16804; TOPMed 0.18059; 1000 Genomes Project 0.19848; 1000 Genomes Project 30x 0.20753.
gnomAD v4.1: 71,657 of 616,454 alleles (12%); highest among the groups gnomAD compares: African/African-American, 35%; 6,377 homozygotes.

Submission:

GeneDx
Classification: Benign. Last evaluated: 2018-06-19. Review status: criteria provided, single submitter. Criteria: GeneDx Variant Classification (06012015). Collection method: clinical testing. Allele origin: germline. Affected: yes.
Comment: This variant is considered likely benign or benign based on one or more of the following criteria: it is a conservative change, it occurs at a poorly conserved position in the protein, it is predicted to be benign by multiple in silico algorithms, and/or has population frequency not consistent with disease.

NM_012434.5(SLC17A5):c.819+129G>A

Gene: SLC17A5 (solute carrier family 17 member 5; minus strand). Cytogenetic location: 6q13.
Variant type: single nucleotide variant.
Coding change: c.819+129G>A on transcript NM_012434.5 (MANE Select); 129 bases into the intron after coding-DNA position 819, G replaced by A.
Molecular consequence: intron variant.
Genome position (GRCh38, 1-based): chr6:73,635,253, C>T on the plus strand (G>A on the coding strand, the complement: SLC17A5 is on the minus strand). VCF-style: chr6-73635253-C-T. GRCh37 (hg19) VCF-style: chr6-74344976-C-T.
Identifiers: ClinVar variation 672082 (VCV000672082.1), dbSNP rs636605, ClinGen allele CA140971874.